The following is an entry in ClinVar:

NM_016507.4(CDK12):c.110G>T (p.Arg37Leu)

Genes: CDK12 (cyclin dependent kinase 12; plus strand), LOC126862553 (CDK7 strongly-dependent group 2 enhancer GRCh37_chr17:37618166-37619365; plus strand). Cytogenetic location: 17q12.
Variant type: single nucleotide variant.
Coding change: c.110G>T on transcript NM_016507.4 (MANE Select); coding-DNA position 110, G replaced by T.
Protein change: p.Arg37Leu; replaces arginine 37 with leucine.
Molecular consequence: missense variant.
Genome position (GRCh38, 1-based): chr17:39,462,181, G>T. VCF-style: chr17-39462181-G-T. GRCh37 (hg19) VCF-style: chr17-37618434-G-T.
Other names: c.110G>T, p.Arg37Leu (NM_015083.4); short protein forms R37L.
Identifiers: ClinVar variation 3999330 (VCV003999330.1).

ClinVar aggregate classification (germline): Uncertain significance (1 of 4 stars; one submission).

Submission:

Ambry Genetics
Classification: Uncertain significance. Last evaluated: 2025-04-07. Review status: criteria provided, single submitter. Criteria: Ambry Variant Classification Scheme 2023. Collection method: clinical testing. Allele origin: germline.
Comment: The p.R37L variant (also known as c.110G>T), located in coding exon 1 of the CDK12 gene, results from a G to T substitution at nucleotide position 110. The arginine at codon 37 is replaced by leucine, an amino acid with dissimilar properties. This amino acid position is conserved. In addition, the in silico prediction for this alteration is inconclusive. Based on the available evidence, the clinical significance of this variant remains unclear.